The following is an entry in ClinVar:

ClinVar aggregate classification (germline): Uncertain significance (1 of 4 stars; one submission).

Conditions:
Long QT syndrome (LQTS). Identifiers: MedGen C0023976, MeSH D008133, MONDO:0002442. Disease mechanism: loss of function. Inheritance: Various modes of inheritance.

gnomAD v4.1: 1 of 1,575,720 alleles (0.000063%); highest among the groups gnomAD compares: Non-Finnish European, 0.000086%; no homozygotes.

Submission:

All of Us Research Program, National Institutes of Health
Classification: Uncertain significance for Long QT syndrome. Last evaluated: 2024-08-06. Review status: criteria provided, single submitter. Criteria: ACMG Guidelines, 2015. Collection method: clinical testing. Allele origin: germline. Inheritance: Autosomal dominant inheritance. Observed: 1 variant allele, 1 heterozygote.
Comment: This study involves interpretation of variants in research participants for the purpose of population health screening. Participant phenotype was not available at the time of variant classification. Additional details can be found in publication PMID: 35346344, PMCID: PMC8962531

NM_000238.4(KCNH2):c.1120G>T (p.Val374Phe)

Gene: KCNH2 (potassium voltage-gated channel subfamily H member 2; minus strand). Cytogenetic location: 7q36.1.
Variant type: single nucleotide variant.
Coding change: c.1120G>T on transcript NM_000238.4 (MANE Select); coding-DNA position 1120, G replaced by T.
Protein change: p.Val374Phe; replaces valine 374 with phenylalanine.
Molecular consequence: missense variant. On other transcripts: non-coding transcript variant (1).
Genome position (GRCh38, 1-based): chr7:150,957,299, C>A on the plus strand (G>T on the coding strand, the complement: KCNH2 is on the minus strand). VCF-style: chr7-150957299-C-A. GRCh37 (hg19) VCF-style: chr7-150654387-C-A.
Other names: c.832G>T, p.Val278Phe (NM_001406753.1, NM_001406756.1); c.943G>T, p.Val315Phe (NM_001406755.1); c.820G>T, p.Val274Phe (NM_001406757.1); c.1120G>T, p.Val374Phe (NM_172056.3); short protein forms V274F, V278F, V315F, V374F.
Identifiers: ClinVar variation 3386907 (VCV003386907.1).